The following is an entry in ClinVar:

ClinVar aggregate classification (germline): Uncertain significance (1 of 4 stars; one submission).

Conditions:
Ataxia-telangiectasia syndrome (AT). Also called: Cerebello-oculocutaneous telangiectasia; Immunodeficiency with ataxia telangiectasia; Ataxia-telangiectasia, complementation group D; AT, COMPLEMENTATION GROUP C; Ataxia-telangiectasia, complementation group E; LOUIS-BAR SYNDROME. Identifiers: Orphanet 100, MedGen C0004135, MONDO:0008840, OMIM 208900.

Submission:

Labcorp Genetics (formerly Invitae), Labcorp
Classification: Uncertain significance for Ataxia-telangiectasia syndrome. Last evaluated: 2024-08-14. Review status: criteria provided, single submitter. Criteria: Invitae Variant Classification Sherloc (09022015). Collection method: clinical testing. Allele origin: germline.
Comment: This sequence change falls in intron 18 of the ATM gene. It does not directly change the encoded amino acid sequence of the ATM protein. It affects a nucleotide within the consensus splice site. This variant is not present in population databases (gnomAD no frequency). This variant has not been reported in the literature in individuals affected with ATM-related conditions. ClinVar contains an entry for this variant (Variation ID: 453435). Variants that disrupt the consensus splice site are a relatively common cause of aberrant splicing (PMID: 17576681, 9536098). Algorithms developed to predict the effect of sequence changes on RNA splicing suggest that this variant may disrupt the consensus splice site. In summary, the available evidence is currently insufficient to determine the role of this variant in disease. Therefore, it has been classified as a Variant of Uncertain Significance.

Literature cited by the submitters: PubMed 17576681; PubMed 9536098.

NM_000051.4(ATM):c.2838+5G>A

Gene: ATM (ATM serine/threonine kinase; plus strand). Cytogenetic location: 11q22.3.
Variant type: single nucleotide variant.
Coding change: c.2838+5G>A on transcript NM_000051.4 (MANE Select); 5 bases into the intron after coding-DNA position 2838, G replaced by A.
Molecular consequence: intron variant.
Genome position (GRCh38, 1-based): chr11:108,268,614, G>A. VCF-style: chr11-108268614-G-A. GRCh37 (hg19) VCF-style: chr11-108139341-G-A.
Other names: c.2838+5G>A (NM_001351834.2).
Identifiers: ClinVar variation 453435 (VCV000453435.7), dbSNP rs1555083472, ClinGen allele CA658656150.